The following is an entry in ClinVar:

NM_001271.4(CHD2):c.4667A>G (p.His1556Arg)

Gene: CHD2 (chromodomain helicase DNA binding protein 2; plus strand). Cytogenetic location: 15q26.1.
Variant type: single nucleotide variant.
Coding change: c.4667A>G on transcript NM_001271.4 (MANE Select); coding-DNA position 4667, A replaced by G.
Protein change: p.His1556Arg; replaces histidine 1556 with arginine.
Molecular consequence: missense variant.
Genome position (GRCh38, 1-based): chr15:93,012,419, A>G. VCF-style: chr15-93012419-A-G. GRCh37 (hg19) VCF-style: chr15-93555649-A-G.
Other names: short protein forms H1556R.
Identifiers: ClinVar variation 2911994 (VCV002911994.3), dbSNP rs2505624953, ClinGen allele CA393905328.
Genomic context (GRCh38, chr15:93,012,419, plus strand): 5'-TTGTTTCCAAGTTTACAGAATTTGATGCTCGAAAACTGCATAAGTTATACAAGATGGCTC[A>G]TAAGAAAAGGTCTCAAGAAGAAGAGGTAAAGTACAAATTCAGTCCTAATTCATACAAACA-3'
Protein context (NP_001262.3, residues 1546-1566): RKLHKLYKMA[His1556Arg]KKRSQEEEEQ

ClinVar aggregate classification (germline): Uncertain significance (1 of 4 stars; one submission).

Conditions:
Developmental and epileptic encephalopathy 94 (DEE94). Also called: Epileptic encephalopathy, childhood-onset; CHD2-Related Neurodevelopmental Disorders. Identifiers: Orphanet 1942, Orphanet 2382, MedGen C3809278, MONDO:0014150, OMIM 615369.

Submission:

Labcorp Genetics (formerly Invitae), Labcorp
Classification: Uncertain significance for Developmental and epileptic encephalopathy 94. Last evaluated: 2023-06-27. Review status: criteria provided, single submitter. Criteria: Invitae Variant Classification Sherloc (09022015). Collection method: clinical testing. Allele origin: germline.
Comment: In summary, the available evidence is currently insufficient to determine the role of this variant in disease. Therefore, it has been classified as a Variant of Uncertain Significance. Advanced modeling of protein sequence and biophysical properties (such as structural, functional, and spatial information, amino acid conservation, physicochemical variation, residue mobility, and thermodynamic stability) performed at Invitae indicates that this missense variant is not expected to disrupt CHD2 protein function. This variant has not been reported in the literature in individuals affected with CHD2-related conditions. This variant is not present in population databases (gnomAD no frequency). This sequence change replaces histidine, which is basic and polar, with arginine, which is basic and polar, at codon 1556 of the CHD2 protein (p.His1556Arg).